The following is an entry in ClinVar:

ClinVar aggregate classification (germline): Pathogenic (1 of 4 stars; one submission).

Conditions:
DDX3X-related disorder. Also called: DDX3X-related condition.

Submission:

GeneDx
Classification: Pathogenic. Last evaluated: 2015-09-10. Review status: criteria provided, single submitter. Criteria: GeneDx Variant Classification (06012015). Collection method: clinical testing. Allele origin: germline. Affected: yes.
Comment: The c.641_643delTCAinsCC substitution in the DDX3X gene has not been reported previously as a pathogenic variant nor as a benign polymorphism, to our knowledge. The c.641_643delTCAinsCC variant causes a frameshift starting with codon Isoleucine 214, changes this amino acid to a Threonine residue, and creates a premature Stop codon at position 7 of the new reading frame, denoted p.Ile214ThrfsX7. This variant is predicted to cause loss of normal protein function either through protein truncation or nonsense-mediated mRNA decay. The c.641_643delTCAinsCC substitution was not observed in approximately 6400 individuals of European and African American ancestry in the NHLBI Exome Sequencing Project, indicating it is not a common benign variant in these populations. We interpret c.641_643delTCAinsCC as a pathogenic variant.

NM_001356.5(DDX3X):c.641_643delinsCC (p.Ile214fs)

Gene: DDX3X (DEAD-box helicase 3 X-linked; plus strand). Cytogenetic location: Xp11.4.
Variant type: Indel.
Coding change: c.641_643delinsCC on transcript NM_001356.5 (MANE Select); coding-DNA positions 641 to 643, TCA replaced by CC.
Protein change: p.Ile214fs; shifts the reading frame from isoleucine 214.
Molecular consequence: frameshift variant. On other transcripts: non-coding transcript variant (1).
Genome position (GRCh38, 1-based): chrX:41,343,313-41,343,315, TCA replaced by CC. VCF-style: chrX-41343313-TCA-CC. GRCh37 (hg19) VCF-style: chrX-41202566-TCA-CC.
Other names: c.641_643delinsCC, p.Ile214fs (NM_001193416.3); c.593_595delinsCC, p.Ile198fs (NM_001193417.3); c.83_85delinsCC, p.Ile28fs (NM_001363819.1); short protein forms I198fs, I28fs, I214fs.
Identifiers: ClinVar variation 429756 (VCV000429756.4), dbSNP rs1131691571, ClinGen allele CA645369753.